The following is an entry in ClinVar:

NM_198834.3(ACACA):c.314A>T (p.Gln105Leu)

Gene: ACACA (acetyl-CoA carboxylase alpha; minus strand). Cytogenetic location: 17q12.
Variant type: single nucleotide variant.
Coding change: c.314A>T on transcript NM_198834.3 (MANE Select); coding-DNA position 314, A replaced by T.
Protein change: p.Gln105Leu; replaces glutamine 105 with leucine.
Molecular consequence: missense variant.
Genome position (GRCh38, 1-based): chr17:37,330,197, T>A on the plus strand (A>T on the coding strand, the complement: ACACA is on the minus strand). VCF-style: chr17-37330197-T-A. GRCh37 (hg19) VCF-style: chr17-35687137-T-A.
Other names: c.314A>T (NM_198834.2); c.203A>T (NM_198839.1); c.203A>T, p.Gln68Leu (NM_198836.3, NM_198839.3); short protein forms Q105L, Q68L.
Identifiers: ClinVar variation 3022984 (VCV003022984.6), dbSNP rs61743749, ClinGen allele CA8516090.
Genomic context (GRCh38, chr17:37,330,197, plus strand): 5'-CAGATTAAATAAGTAGACCATTGAACTCTCTCTTACCTTATGTGCAAGGCCAAGCCATCC[T>A]GTAGGCTAGAGATCCCCAAATCAGAGAGTGTATCTGAGCCAACAGAAGCAGGTGACAAGG-3'
Protein context (NP_942131.1, residues 95-115): TLSDLGISSL[Gln105Leu]DGLALHIRSS

ClinVar aggregate classification (germline): Conflicting classifications of pathogenicity. Review status: criteria provided, conflicting classifications (1 of 4 stars). 3 submissions from 3 submitters: Uncertain significance (1); Benign (1). 1 of the submissions does not count toward it. Last evaluated 2025-11-19.

Conditions:
ACACA-related disorder. Also called: ACACA-related condition.

Allele frequency attached by ClinVar (database versions not stated): gnomAD 0.00196; ESP Exome Variant Server 0.00200; TOPMed 0.00218; 1000 Genomes Project 0.00339; 1000 Genomes Project 30x 0.00375.
gnomAD v4.1: 591 of 1,614,224 alleles (0.037%); highest among the groups gnomAD compares: African/African-American, 0.74%; 4 homozygotes.

Submissions (3):

Ambry Genetics
Classification: Uncertain significance. Last evaluated: 2025-11-19. Review status: criteria provided, single submitter. Criteria: Ambry Variant Classification Scheme 2023. Collection method: clinical testing. Allele origin: germline.

Labcorp Genetics (formerly Invitae), Labcorp
Classification: Benign. Last evaluated: 2025-08-29. Review status: criteria provided, single submitter. Criteria: Invitae Variant Classification Sherloc (09022015). Collection method: clinical testing. Allele origin: germline.

PreventionGenetics, part of Exact Sciences
Classification: Likely benign for ACACA-related condition. Last evaluated: 2019-08-08. Review status: no assertion criteria provided. Collection method: clinical testing. Allele origin: germline. Not counted in ClinVar's aggregate classification.
Comment: This variant is classified as likely benign based on ACMG/AMP sequence variant interpretation guidelines (Richards et al. 2015 PMID: 25741868, with internal and published modifications).